The following is an entry in ClinVar:

ClinVar aggregate classification (germline): Uncertain significance (1 of 4 stars; one submission).

Conditions:
Developmental and epileptic encephalopathy 94 (DEE94). Also called: CHD2-Related Neurodevelopmental Disorders; Epileptic encephalopathy, childhood-onset. Identifiers: Orphanet 1942, Orphanet 2382, MedGen C3809278, MONDO:0014150, OMIM 615369.

gnomAD v4.1: 2 of 1,583,870 alleles (0.00013%); highest among the groups gnomAD compares: East Asian, 0.0046%; no homozygotes.

Submission:

Labcorp Genetics (formerly Invitae), Labcorp
Classification: Uncertain significance for Developmental and epileptic encephalopathy 94. Last evaluated: 2025-05-19. Review status: criteria provided, single submitter. Criteria: Invitae Variant Classification Sherloc (09022015). Collection method: clinical testing. Allele origin: germline.
Comment: This sequence change falls in intron 19 of the CHD2 gene. It does not directly change the encoded amino acid sequence of the CHD2 protein. It affects a nucleotide within the consensus splice site. This variant is not present in population databases (gnomAD no frequency). This variant has not been reported in the literature in individuals affected with CHD2-related conditions. Variants that disrupt the consensus splice site are a relatively common cause of aberrant splicing (PMID: 17576681, 9536098). Algorithms developed to predict the effect of sequence changes on RNA splicing suggest that this variant is not likely to affect RNA splicing. In summary, the available evidence is currently insufficient to determine the role of this variant in disease. Therefore, it has been classified as a Variant of Uncertain Significance.

Literature cited by the submitters: PubMed 17576681; PubMed 9536098.

NM_001271.4(CHD2):c.2505+3A>G

Gene: CHD2 (chromodomain helicase DNA binding protein 2; plus strand). Cytogenetic location: 15q26.1.
Variant type: single nucleotide variant.
Coding change: c.2505+3A>G on transcript NM_001271.4 (MANE Select); 3 bases into the intron after coding-DNA position 2505, A replaced by G.
Molecular consequence: intron variant.
Genome position (GRCh38, 1-based): chr15:92,972,420, A>G. VCF-style: chr15-92972420-A-G. GRCh37 (hg19) VCF-style: chr15-93515650-A-G.
Identifiers: ClinVar variation 4705497 (VCV004705497.1).